The following is an entry in ClinVar:

NM_138420.4(AHNAK2):c.615C>T (p.Ser205=)

Gene: AHNAK2 (AHNAK nucleoprotein 2; minus strand). Cytogenetic location: 14q32.33.
Variant type: single nucleotide variant.
Coding change: c.615C>T on transcript NM_138420.4 (MANE Select); coding-DNA position 615, C replaced by T.
Protein change: p.Ser205=; no amino-acid change (serine 205 retained).
Molecular consequence: synonymous variant.
Genome position (GRCh38, 1-based): chr14:104,954,993, G>A on the plus strand (C>T on the coding strand, the complement: AHNAK2 is on the minus strand). VCF-style: chr14-104954993-G-A. GRCh37 (hg19) VCF-style: chr14-105421330-G-A.
Other names: c.315C>T, p.Ser105= (NM_001350929.2).
Identifiers: ClinVar variation 2644895 (VCV002644895.24), dbSNP rs375096262, ClinGen allele CA7384003.

ClinVar aggregate classification (germline): Likely benign (1 of 4 stars; one submission).

Allele frequency attached by ClinVar (database versions not stated): ExAC 0.00003; TOPMed 0.00003; gnomAD 0.00004; gnomAD exomes 0.00002; ESP Exome Variant Server 0.00008.
gnomAD v4.1: 40 of 1,613,506 alleles (0.0025%); highest among the groups gnomAD compares: Admixed American, 0.0033%; no homozygotes.

Submission:

CeGaT Center for Human Genetics Tuebingen
Classification: Likely benign. Last evaluated: 2022-11-01. Review status: criteria provided, single submitter. Criteria: CeGaT Center For Human Genetics Tuebingen Variant Classification Criteria Version 2. Collection method: clinical testing. Allele origin: germline. Affected: yes. Observed: 1 variant allele.
Comment: AHNAK2: BP4, BP7